The following is an entry in ClinVar:

NM_001540.5(HSPB1):c.128C>T (p.Ser43Leu)

Gene: HSPB1 (heat shock protein family B (small) member 1; plus strand). Cytogenetic location: 7q11.23.
Variant type: single nucleotide variant.
Coding change: c.128C>T on transcript NM_001540.5 (MANE Select); coding-DNA position 128, C replaced by T.
Protein change: p.Ser43Leu; replaces serine 43 with leucine.
Molecular consequence: missense variant.
Genome position (GRCh38, 1-based): chr7:76,302,840, C>T. VCF-style: chr7-76302840-C-T. GRCh37 (hg19) VCF-style: chr7-75932157-C-T.
Other names: short protein forms S43L.
Identifiers: ClinVar variation 3605530 (VCV003605530.2).

ClinVar aggregate classification (germline): Uncertain significance (1 of 4 stars; one submission).

Conditions:
Charcot-Marie-Tooth disease axonal type 2F (CMT2F). Also called: CHARCOT-MARIE-TOOTH DISEASE, NEURONAL, TYPE 2F; Charcot-Marie-Tooth Neuropathy Type 2F. Identifiers: Orphanet 99940, MedGen C1847823, MONDO:0011687, OMIM 606595.

gnomAD v4.1: 5 of 1,601,660 alleles (0.00031%); highest among the groups gnomAD compares: African/African-American, 0.0053%; no homozygotes.

Submission:

Labcorp Genetics (formerly Invitae), Labcorp
Classification: Uncertain significance for Charcot-Marie-Tooth disease axonal type 2F. Last evaluated: 2024-07-22. Review status: criteria provided, single submitter. Criteria: Invitae Variant Classification Sherloc (09022015). Collection method: clinical testing. Allele origin: germline.
Comment: This sequence change replaces serine, which is neutral and polar, with leucine, which is neutral and non-polar, at codon 43 of the HSPB1 protein (p.Ser43Leu). This variant is present in population databases (no rsID available, gnomAD 0.005%). This variant has not been reported in the literature in individuals affected with HSPB1-related conditions. Advanced modeling of protein sequence and biophysical properties (such as structural, functional, and spatial information, amino acid conservation, physicochemical variation, residue mobility, and thermodynamic stability) has been performed at Invitae for this missense variant, however the output from this modeling did not meet the statistical confidence thresholds required to predict the impact of this variant on HSPB1 protein function. In summary, the available evidence is currently insufficient to determine the role of this variant in disease. Therefore, it has been classified as a Variant of Uncertain Significance.